The following is an entry in ClinVar:

ClinVar aggregate classification (germline): Uncertain significance. Review status: criteria provided, multiple submitters, no conflicts (2 of 4 stars). 3 submissions from 3 submitters: Uncertain significance (3). Last evaluated 2026-01-14.

Conditions:
CHARGE syndrome (CHARGE). Also called: Hittner Hirsch Kreh syndrome; CHARGE ASSOCIATION--COLOBOMA, HEART ANOMALY, CHOANAL ATRESIA, RETARDATION, GENITAL AND EAR ANOMALIES; Coloboma, heart anomaly, choanal atresia, retardation, genital and ear anomalies; CHARGE association; Hall-Hittner syndrome. Identifiers: Orphanet 138, MedGen C0265354, MONDO:0008965.
Inborn genetic diseases. Identifiers: MedGen C0950123, MeSH D030342.

gnomAD v4.1: 7 of 1,613,772 alleles (0.00043%); highest among the groups gnomAD compares: Non-Finnish European, 0.00051%; no homozygotes.

Submissions (3):

Ambry Genetics
Classification: Uncertain significance for Inborn genetic diseases. Last evaluated: 2026-01-14. Review status: criteria provided, single submitter. Criteria: Ambry Variant Classification Scheme 2023. Collection method: clinical testing. Allele origin: germline.

Labcorp Genetics (formerly Invitae), Labcorp
Classification: Uncertain significance for CHARGE syndrome. Last evaluated: 2025-09-14. Review status: criteria provided, single submitter. Criteria: Invitae Variant Classification Sherloc (09022015). Collection method: clinical testing. Allele origin: germline.
Comment: This sequence change replaces serine, which is neutral and polar, with cysteine, which is neutral and slightly polar, at codon 141 of the CHD7 protein (p.Ser141Cys). This variant is not present in population databases (gnomAD no frequency). This variant has not been reported in the literature in individuals affected with CHD7-related conditions. ClinVar contains an entry for this variant (Variation ID: 2716402). Invitae Evidence Modeling of protein sequence and biophysical properties (such as structural, functional, and spatial information, amino acid conservation, physicochemical variation, residue mobility, and thermodynamic stability) indicates that this missense variant is not expected to disrupt CHD7 protein function with a negative predictive value of 95%. In summary, the available evidence is currently insufficient to determine the role of this variant in disease. Therefore, it has been classified as a Variant of Uncertain Significance.

Blueprint Genetics
Classification: Uncertain significance. Last evaluated: 2022-04-26. Review status: criteria provided, single submitter. Criteria: ACMG Guidelines, 2015. Collection method: clinical testing. Allele origin: germline.

NM_017780.4(CHD7):c.421A>T (p.Ser141Cys)

Gene: CHD7 (chromodomain helicase DNA binding protein 7; plus strand). Cytogenetic location: 8q12.2.
Variant type: single nucleotide variant.
Coding change: c.421A>T on transcript NM_017780.4 (MANE Select); coding-DNA position 421, A replaced by T.
Protein change: p.Ser141Cys; replaces serine 141 with cysteine.
Molecular consequence: missense variant.
Genome position (GRCh38, 1-based): chr8:60,741,853, A>T. VCF-style: chr8-60741853-A-T. GRCh37 (hg19) VCF-style: chr8-61654412-A-T.
Other names: c.421A>T, p.Ser141Cys (NM_001316690.1); c.421A>T (NM_017780.3); short protein forms S141C.
Identifiers: ClinVar variation 2716402 (VCV002716402.5), dbSNP rs905235341, ClinGen allele CA177312699.